The following is an entry in ClinVar:

ClinVar aggregate classification (germline): Uncertain significance (1 of 4 stars; one submission).

Submission:

GeneDx
Classification: Uncertain significance. Last evaluated: 2026-01-28. Review status: criteria provided, single submitter. Criteria: GeneDx Variant Classification Process June 2021. Collection method: clinical testing. Allele origin: germline.
Comment: Not observed at significant frequency in large population cohorts (gnomAD); In silico analysis supports that this missense variant has a deleterious effect on protein structure/function; Has not been previously published as pathogenic or benign to our knowledge

NM_003070.5(SMARCA2):c.2233G>A (p.Gly745Arg)

Gene: SMARCA2 (SWI/SNF related BAF chromatin remodeling complex subunit ATPase 2; plus strand). Cytogenetic location: 9p24.3.
Variant type: single nucleotide variant.
Coding change: c.2233G>A on transcript NM_003070.5 (MANE Select); coding-DNA position 2233, G replaced by A.
Protein change: p.Gly745Arg; replaces glycine 745 with arginine.
Molecular consequence: missense variant.
Genome position (GRCh38, 1-based): chr9:2,081,880, G>A. VCF-style: chr9-2081880-G-A. GRCh37 (hg19) VCF-style: chr9-2081880-G-A.
Other names: c.2233G>A, p.Gly745Arg (NM_001289396.2, NM_001289397.2, NM_139045.4); short protein forms G745R.
Identifiers: ClinVar variation 4975835 (VCV004975835.1).
Genomic context (GRCh38, chr9:2,081,880, plus strand): 5'-TCTTCATTTCAGCTCCAGGGCCTGGAATGGATGGTTTCCCTGTATAATAACAACTTGAAC[G>A]GAATCTTAGCCGATGAAATGGGGCTTGGAAAGACCATACAGACCATTGCACTCATCACTT-3'
Protein context (NP_003061.3, residues 735-755): MVSLYNNNLN[Gly745Arg]ILADEMGLGK